The following is an entry in ClinVar:

NM_004415.4(DSP):c.524A>G (p.Gln175Arg)

Gene: DSP (desmoplakin; plus strand). Cytogenetic location: 6p24.3.
Variant type: single nucleotide variant.
Coding change: c.524A>G on transcript NM_004415.4 (MANE Select); coding-DNA position 524, A replaced by G.
Protein change: p.Gln175Arg; replaces glutamine 175 with arginine.
Molecular consequence: missense variant.
Genome position (GRCh38, 1-based): chr6:7,559,327, A>G. VCF-style: chr6-7559327-A-G. GRCh37 (hg19) VCF-style: chr6-7559560-A-G.
Other names: c.524A>G, p.Gln175Arg (NM_001008844.3, NM_001319034.2); short protein forms Q175R.
Identifiers: ClinVar variation 927530 (VCV000927530.4), dbSNP rs1758606565, ClinGen allele CA362672548.
Genomic context (GRCh38, chr6:7,559,327, plus strand): 5'-CCATCAGTGTCCCTCGAGTCCGCAGGGCCAGCTCCAAGGGTGGTGGAGGCTACACTTGTC[A>G]GAGTGGCTCTGGCTGGGATGAGTTCACCAAACATGTCACCAGTGAATGTTTGGGGTGGAT-3'
Protein context (NP_004406.2, residues 165-185): SSKGGGGYTC[Gln175Arg]SGSGWDEFTK

ClinVar aggregate classification (germline): Uncertain significance (1 of 4 stars; one submission).

Conditions:
Cardiomyopathy (CMYO). Also called: Cardiomyopathies. Identifiers: Orphanet 167848, MedGen C0878544, MONDO:0004994, HP:0001638. Inheritance: Various modes of inheritance.

Submission:

Color Diagnostics, LLC DBA Color Health
Classification: Uncertain significance for Cardiomyopathy. Last evaluated: 2024-03-06. Review status: criteria provided, single submitter. Criteria: ACMG Guidelines, 2015. Collection method: clinical testing. Allele origin: germline.
Comment: This missense variant replaces glutamine with arginine at codon 175 of the DSP protein. Computational prediction tool suggests that this variant may not impact protein structure and function (internally defined REVEL score threshold <=0.5, PMID: 27666373). Splice site prediction tools suggest that this variant may not impact RNA splicing. To our knowledge, functional studies have not been performed for this variant. This variant has not been reported in individuals affected with cardiovascular disorders in the literature. This variant has not been identified in the general population by the Genome Aggregation Database (gnomAD). The available evidence is insufficient to determine the role of this variant in disease conclusively. Therefore, this variant is classified as a Variant of Uncertain Significance.